The following is an entry in ClinVar:

ClinVar aggregate classification (germline): Pathogenic. Review status: criteria provided, multiple submitters, no conflicts (2 of 4 stars). 2 submissions from 2 submitters: Pathogenic (2). Last evaluated 2025-02-11.

Conditions:
Developmental and epileptic encephalopathy 94 (DEE94). Also called: Epileptic encephalopathy, childhood-onset; CHD2-Related Neurodevelopmental Disorders. Identifiers: Orphanet 1942, Orphanet 2382, MedGen C3809278, MONDO:0014150, OMIM 615369.

Allele frequency attached by ClinVar (database versions not stated): gnomAD exomes below 0.00001.
gnomAD v4.1: 1 of 1,612,642 alleles (0.000062%); highest among the groups gnomAD compares: Non-Finnish European, 0.000085%; no homozygotes.

Submissions (2):

3billion
Classification: Pathogenic for Developmental and epileptic encephalopathy 94. Last evaluated: 2025-02-11. Review status: criteria provided, single submitter. Criteria: ACMG Guidelines, 2015. Collection method: clinical testing. Allele origin: germline. Affected: yes.
Comment: The variant is observed at an extremely low frequency in the gnomAD v4.1.0 dataset (total allele frequency: <0.001%). Predicted Consequence/Location: Stop-gained (nonsense): predicted to result in a loss or disruption of normal protein function through nonsense-mediated decay (NMD) or protein truncation. Multiple pathogenic variants are reported downstream of the variant. The variant has been reported to be associated with CHD2-related disorder (ClinVar ID: VCV002913304 /PMID: 35222528). Therefore, this variant is classified as Pathogenic according to the recommendation of ACMG/AMP guideline.

Labcorp Genetics (formerly Invitae), Labcorp
Classification: Pathogenic for Developmental and epileptic encephalopathy 94. Last evaluated: 2025-02-02. Review status: criteria provided, single submitter. Criteria: Invitae Variant Classification Sherloc (09022015). Collection method: clinical testing. Allele origin: germline.
Comment: This sequence change creates a premature translational stop signal (p.Arg1440*) in the CHD2 gene. It is expected to result in an absent or disrupted protein product. Loss-of-function variants in CHD2 are known to be pathogenic (PMID: 23708187, 24207121). This variant is not present in population databases (gnomAD no frequency). This premature translational stop signal has been observed in individual(s) with CHD2-related conditions (PMID: 35222528). ClinVar contains an entry for this variant (Variation ID: 2913304). Algorithms developed to predict the effect of sequence changes on RNA splicing suggest that this variant may disrupt the consensus splice site. For these reasons, this variant has been classified as Pathogenic.

Literature cited by the submitters: PubMed 35222528 (cited by 3billion and Labcorp Genetics (formerly Invitae), Labcorp); PubMed 23708187 (cited by Labcorp Genetics (formerly Invitae), Labcorp); PubMed 24207121 (cited by Labcorp Genetics (formerly Invitae), Labcorp).

NM_001271.4(CHD2):c.4318C>T (p.Arg1440Ter)

Gene: CHD2 (chromodomain helicase DNA binding protein 2; plus strand). Cytogenetic location: 15q26.1.
Variant type: single nucleotide variant.
Coding change: c.4318C>T on transcript NM_001271.4 (MANE Select); coding-DNA position 4318, C replaced by T.
Protein change: p.Arg1440Ter; replaces arginine 1440 with a stop codon.
Molecular consequence: nonsense.
Genome position (GRCh38, 1-based): chr15:93,004,656, C>T. VCF-style: chr15-93004656-C-T. GRCh37 (hg19) VCF-style: chr15-93547886-C-T.
Other names: short protein forms R1440*.
Identifiers: ClinVar variation 2913304 (VCV002913304.4), dbSNP rs2505607968, ClinGen allele CA393903238.